The following is an entry in ClinVar:

NM_007055.4(POLR3A):c.3858C>T (p.His1286=)

Gene: POLR3A (RNA polymerase III subunit A; minus strand). Cytogenetic location: 10q22.3.
Variant type: single nucleotide variant.
Coding change: c.3858C>T on transcript NM_007055.4 (MANE Select); coding-DNA position 3858, C replaced by T.
Protein change: p.His1286=; no amino-acid change (histidine 1286 retained).
Molecular consequence: synonymous variant.
Genome position (GRCh38, 1-based): chr10:77,981,461, G>A on the plus strand (C>T on the coding strand, the complement: POLR3A is on the minus strand). VCF-style: chr10-77981461-G-A. GRCh37 (hg19) VCF-style: chr10-79741219-G-A.
Identifiers: ClinVar variation 301036 (VCV000301036.33), dbSNP rs373306216, ClinGen allele CA5570677.
Genomic context (GRCh38, chr10:77,981,461, plus strand): 5'-CAGCCCGGGGGCCTCCTGCCCACATACCTTGTAGGTCATGAGGTCGGAGAGCAGCATCAC[G>A]TGCCTCCTGTCGATGCTCATGCCGTGGTTCACCATGGTGTACTGGATTTCATTGATGATC-3'
Protein context (NP_008986.2, residues 1276-1296): VNHGMSIDRR[His1286=]VMLLSDLMTY

ClinVar aggregate classification (germline): Conflicting classifications of pathogenicity. Review status: criteria provided, conflicting classifications (1 of 4 stars). 4 submissions from 4 submitters: Uncertain significance (1); Likely benign (3). Last evaluated 2026-01-07.

Conditions:
Leukodystrophy, hypomyelinating, 7, with or without oligodontia and/or hypogonadotropic hypogonadism (HLD7). Also called: LEUKODYSTROPHY, HYPOMYELINATING, 7, WITH OLIGODONTIA; LEUKODYSTROPHY, HYPOMYELINATING, 7, WITH OLIGODONTIA AND HYPOGONADOTROPIC HYPOGONADISM; LEUKODYSTROPHY, HYPOMYELINATING, 7, WITHOUT OLIGODONTIA OR HYPOGONADOTROPIC HYPOGONADISM; LEUKOENCEPHALOPATHY, HYPOMYELINATING, WITH ATAXIA AND DELAYED DENTITION; ATAXIA, DELAYED DENTITION, AND HYPOMYELINATION; Ataxia, Delayed Dentition and Hypomyelination (ADDH). Identifiers: Orphanet 137639, Orphanet 447893, Orphanet 447896, Orphanet 77295, Orphanet 88637, MedGen CN034185, MONDO:0011897, OMIM 607694.

Allele frequency attached by ClinVar (database versions not stated): gnomAD 0.00005; ExAC 0.00006; TOPMed 0.00007.
gnomAD v4.1: 164 of 1,613,824 alleles (0.01%); highest among the groups gnomAD compares: East Asian, 0.038%; no homozygotes.

Submissions (4):

Labcorp Genetics (formerly Invitae), Labcorp
Classification: Likely benign. Last evaluated: 2026-01-07. Review status: criteria provided, single submitter. Criteria: Invitae Variant Classification Sherloc (09022015). Collection method: clinical testing. Allele origin: germline.

Blueprint Genetics
Classification: Likely benign. Last evaluated: 2024-11-25. Review status: criteria provided, single submitter. Criteria: ACMG Guidelines, 2015. Collection method: clinical testing. Allele origin: germline.

CeGaT Center for Human Genetics Tuebingen
Classification: Likely benign. Last evaluated: 2024-07-01. Review status: criteria provided, single submitter. Criteria: CeGaT Center For Human Genetics Tuebingen Variant Classification Criteria Version 2. Collection method: clinical testing. Allele origin: germline. Affected: yes. Observed: 1 variant allele.
Comment: POLR3A: BP4, BP7

Illumina Laboratory Services, Illumina
Classification: Uncertain significance for Leukodystrophy, hypomyelinating, 7, with or without oligodontia and/or hypogonadotropic hypogonadism. Last evaluated: 2018-01-13. Review status: criteria provided, single submitter. Criteria: ICSL Variant Classification Criteria 13 December 2019. Collection method: clinical testing. Allele origin: germline.